The following is an entry in ClinVar:

NM_018095.6(KBTBD4):c.930_935dup (p.Arg312_Arg313insProArg)

Gene: KBTBD4 (kelch repeat and BTB domain containing 4; minus strand). Cytogenetic location: 11p11.2.
Variant type: Duplication.
Coding change: c.930_935dup on transcript NM_018095.6 (MANE Select); coding-DNA positions 930 to 935, 6 bases duplicated (CCCACG; older notation c.930_935dupCCCACG).
Protein change: p.Arg312_Arg313insProArg.
Genome position (GRCh38, 1-based): chr11:47,573,600-47,573,605, CGTGGG duplicated on the plus strand (CCCACG on the coding strand, the reverse complement: KBTBD4 is on the minus strand). VCF-style (leftmost placement, unchanged base first): chr11-47573599-C-CCGTGGG. GRCh37 (hg19) VCF-style: chr11-47595151-C-CCGTGGG.
Other names: c.1029_1034dup, p.Arg345_Arg346insProArg (NM_001318716.2); c.999_1004dup, p.Arg335_Arg336insProArg (NM_001318717.2); c.957_962dup, p.Arg321_Arg322insProArg (NM_001318718.2, NM_001318719.2); c.951_956dup, p.Arg319_Arg320insProArg (NM_001318720.2); c.882_887dup, p.Arg296_Arg297insProArg (NM_001318721.2, NM_001318722.2, NM_001318723.2 and 3 more transcripts).
Identifiers: ClinVar variation 4530472 (VCV004530472.1).

ClinVar aggregate classification (somatic clinical impact): Tier I - Strong (1 of 4 stars; one submission).

Conditions:
Medulloblastoma non-WNT/non-SHH group 3. Identifiers: MedGen C4330665, MONDO:0956966.

Submission:

Institute for Genomic Medicine (IGM) Clinical Laboratory, Nationwide Children's Hospital
Classification: Tier I - Strong for Medulloblastoma non-WNT/non-SHH group 3. Assertion type: diagnostic. Clinical significance: supports diagnosis. Last evaluated: 2024-06-03. Review status: criteria provided, single submitter. Criteria: AMP/ASCO/CAP Guidelines, 2017. Collection method: clinical testing. Allele origin: somatic. Affected: yes.
Comment: Variant has Tier I (strong) clinical significance as a diagnostic inclusion criterion in medulloblastoma non-WNT/non-SHH group 3, based on the following evidence: 1) Appears in one or more well-established professional guidelines (e.g., World Health Organization [WHO]; National Comprehensive Cancer Network [NCCN]) as providing diagnostic, prognostic, or therapeutic information. 2) Information in the literature supports potential biologic effect of variant (PMID: 35379950). 3) Diagnostic for a specific tumor type/classification based on well-powered studies with expert-level consensus (Evidence Level B; PMIDs: 28726821, 33172502).

Literature cited by the submitters: PubMed 35379950; PubMed 28726821; PubMed 33172502.